The following is an entry in ClinVar:

ClinVar aggregate classification (germline): Likely pathogenic (1 of 4 stars; one submission).

Conditions:
Congenital contractural arachnodactyly (CCA). Also called: BEALS SYNDROME; Beals-Hecht syndrome; Arthrogryposis, distal, type 9. Identifiers: Orphanet 115, MedGen C0220668, MONDO:0007363, OMIM 121050.

Submission:

Labcorp Genetics (formerly Invitae), Labcorp
Classification: Likely pathogenic for Congenital contractural arachnodactyly. Last evaluated: 2016-09-16. Review status: criteria provided, single submitter. Criteria: Invitae Variant Classification Sherloc (09022015). Collection method: clinical testing. Allele origin: germline.
Comment: This variant is a gross deletion of the genomic region encompassing exons 35-36 of the FBN2 gene. This leads to an in-frame deletion, preserving the integrity of the reading frame. This variant is not present in population databases (ExAC no frequency) and has not been reported in the literature in individuals with a FBN2-related disease. This variant deletes two exons that contain calcium-binding EGF-like repeated domains. Several other variants that cause the loss of in-frame calcium-binding EGF-like repeated domains have been shown to be pathogenic for congenital contractural arachnodactyly (PMID: 8900230, 9199560, 11754102, 15121784, 17345643), suggesting that having a consistent number of repeats is important for protein function. In summary, this is a novel deletion of calcium-binding EGF-like repeated domains, and variants that lead to loss of these domains have been shown to be deleterious. However, without additional functional and/or genetic data, this variant has been classified as Likely Pathogenic.

NC_000005.10:g.(?_128318149)_(128319001_?)del

Gene: FBN2 (fibrillin 2; minus strand). Cytogenetic location: 5q23.3.
Variant type: Deletion.
Identifiers: ClinVar variation 417565 (VCV000417565.1).